The following is an entry in ClinVar:

ClinVar aggregate classification (germline): Uncertain significance. Review status: criteria provided, multiple submitters, no conflicts (2 of 4 stars). 2 submissions from 2 submitters: Uncertain significance (2). Last evaluated 2024-10-29.

Conditions:
Nephronophthisis. Also called: Juvenile Nephronophthisis. Identifiers: Orphanet 655, MedGen C0687120, MONDO:0019005, HP:0000090.
Nephronophthisis 4 (NPHP4). Also called: NEPHRONOPHTHISIS 4, JUVENILE. Identifiers: Orphanet 655, MedGen C1847013, MONDO:0011752, OMIM 606966.
Senior-Loken syndrome 4 (SLSN4). Identifiers: Orphanet 3156, MedGen C1846979, MONDO:0011756, OMIM 606996.

Allele frequency attached by ClinVar (database versions not stated): TOPMed below 0.00001; gnomAD 0.00001; gnomAD exomes 0.00002; ExAC 0.00003.
gnomAD v4.1: 24 of 1,613,074 alleles (0.0015%); highest among the groups gnomAD compares: Admixed American, 0.0033%; no homozygotes.

Submissions (2):

Labcorp Genetics (formerly Invitae), Labcorp
Classification: Uncertain significance for Nephronophthisis. Last evaluated: 2024-10-29. Review status: criteria provided, single submitter. Criteria: Invitae Variant Classification Sherloc (09022015). Collection method: clinical testing. Allele origin: germline.
Comment: This sequence change falls in intron 27 of the NPHP4 gene. It does not directly change the encoded amino acid sequence of the NPHP4 protein. It affects a nucleotide within the consensus splice site. This variant is present in population databases (rs764632297, gnomAD 0.006%). This variant has not been reported in the literature in individuals affected with NPHP4-related conditions. ClinVar contains an entry for this variant (Variation ID: 1369672). Variants that disrupt the consensus splice site are a relatively common cause of aberrant splicing (PMID: 17576681, 9536098). Algorithms developed to predict the effect of sequence changes on RNA splicing suggest that this variant is not likely to affect RNA splicing. In summary, the available evidence is currently insufficient to determine the role of this variant in disease. Therefore, it has been classified as a Variant of Uncertain Significance.

Fulgent Genetics
Classification: Uncertain significance for Nephronophthisis 4; Senior-Loken syndrome 4. Last evaluated: 2022-05-24. Review status: criteria provided, single submitter. Criteria: ACMG Guidelines, 2015. Collection method: clinical testing. Allele origin: unknown.

Literature cited by the submitters: PubMed 17576681 (cited by Labcorp Genetics (formerly Invitae), Labcorp); PubMed 9536098 (cited by Labcorp Genetics (formerly Invitae), Labcorp).

NM_015102.5(NPHP4):c.3816+4C>T

Gene: NPHP4 (nephrocystin 4; minus strand). Cytogenetic location: 1p36.31.
Variant type: single nucleotide variant.
Coding change: c.3816+4C>T on transcript NM_015102.5 (MANE Select); 4 bases into the intron after coding-DNA position 3816, C replaced by T.
Molecular consequence: intron variant.
Genome position (GRCh38, 1-based): chr1:5,865,098, G>A on the plus strand (C>T on the coding strand, the complement: NPHP4 is on the minus strand). VCF-style: chr1-5865098-G-A. GRCh37 (hg19) VCF-style: chr1-5925158-G-A.
Other names: c.2280+4C>T (NM_001291594.2); c.2277+4C>T (NM_001291593.2).
Identifiers: ClinVar variation 1369672 (VCV001369672.5), dbSNP rs764632297, ClinGen allele CA553468.